The following is an entry in ClinVar:

ClinVar aggregate classification (germline): Uncertain significance (1 of 4 stars; one submission).

Conditions:
Granulomatous disease, chronic, autosomal recessive, cytochrome b-positive, type 2. Also called: GRANULOMATOUS DISEASE, CHRONIC, AUTOSOMAL RECESSIVE, 2; Chronic granulomatous disease due to deficiency of NCF-2; Chronic Granulomatous Disease, Autosomal Recessive, Cytochrome b-Positive, Type II; CGD, AUTOSOMAL RECESSIVE CYTOCHROME b-POSITIVE, TYPE II; GRANULOMATOUS DISEASE, CHRONIC, DUE TO NCF2 DEFICIENCY. Identifiers: Orphanet 379, MedGen C1856245, MONDO:0009310, OMIM 233710.

Submission:

Labcorp Genetics (formerly Invitae), Labcorp
Classification: Uncertain significance for Granulomatous disease, chronic, autosomal recessive, cytochrome b-positive, type 2. Last evaluated: 2022-06-20. Review status: criteria provided, single submitter. Criteria: Invitae Variant Classification Sherloc (09022015). Collection method: clinical testing. Allele origin: germline.
Comment: This sequence change replaces tyrosine, which is neutral and polar, with histidine, which is basic and polar, at codon 87 of the NCF2 protein (p.Tyr87His). This variant is not present in population databases (gnomAD no frequency). This variant has not been reported in the literature in individuals affected with NCF2-related conditions. Algorithms developed to predict the effect of missense changes on protein structure and function are either unavailable or do not agree on the potential impact of this missense change (SIFT: "Tolerated"; PolyPhen-2: "Probably Damaging"; Align-GVGD: "Class C0"). In summary, the available evidence is currently insufficient to determine the role of this variant in disease. Therefore, it has been classified as a Variant of Uncertain Significance.

NM_000433.4(NCF2):c.259T>C (p.Tyr87His)

Gene: NCF2 (neutrophil cytosolic factor 2; minus strand). Cytogenetic location: 1q25.3.
Variant type: single nucleotide variant.
Coding change: c.259T>C on transcript NM_000433.4 (MANE Select); coding-DNA position 259, T replaced by C.
Protein change: p.Tyr87His; replaces tyrosine 87 with histidine.
Molecular consequence: missense variant.
Genome position (GRCh38, 1-based): chr1:183,577,706, A>G on the plus strand (T>C on the coding strand, the complement: NCF2 is on the minus strand). VCF-style: chr1-183577706-A-G. GRCh37 (hg19) VCF-style: chr1-183546841-A-G.
Other names: c.259T>C, p.Tyr87His (NM_001127651.3, NM_001190789.2, NM_001190794.2 and 1 more transcripts); short protein forms Y87H.
Identifiers: ClinVar variation 2000694 (VCV002000694.4), dbSNP rs940390623, ClinGen allele CA343679739.